The following is an entry in ClinVar:

NM_001382567.1(STIM1):c.205C>T (p.Arg69Cys)

Gene: STIM1 (stromal interaction molecule 1; plus strand). Cytogenetic location: 11p15.4.
Variant type: single nucleotide variant.
Coding change: c.205C>T on transcript NM_001382567.1 (MANE Select); coding-DNA position 205, C replaced by T.
Protein change: p.Arg69Cys; replaces arginine 69 with cysteine.
Molecular consequence: missense variant. On other transcripts: 5 prime UTR variant (8), non-coding transcript variant (3), intron variant (4).
Genome position (GRCh38, 1-based): chr11:3,967,617, C>T. VCF-style: chr11-3967617-C-T. GRCh37 (hg19) VCF-style: chr11-3988847-C-T.
Other names: c.205C>T, p.Arg69Cys (NM_001277961.3, NM_001277962.2, NM_001382568.1 and 3 more transcripts); c.-18C>T (NM_001382566.1, NM_001382573.1, NM_001382574.1 and 5 more transcripts); c.-219-56256C>T (NM_001382580.1, NM_001382581.1); c.136-56256C>T (NM_001382569.1); c.-98-56256C>T (NM_001382571.1); short protein forms R69C.
Identifiers: ClinVar variation 952024 (VCV000952024.9), dbSNP rs201061396, ClinGen allele CA5830156.

ClinVar aggregate classification (germline): Uncertain significance. Review status: criteria provided, multiple submitters, no conflicts (2 of 4 stars). 2 submissions from 2 submitters: Uncertain significance (2). Last evaluated 2025-09-14.

Conditions:
Inborn genetic diseases. Identifiers: MedGen C0950123, MeSH D030342.
Combined immunodeficiency due to STIM1 deficiency. Also called: IMMUNODEFICIENCY 10; STIM1 DEFICIENCY. Identifiers: Orphanet 169090, Orphanet 317430, MedGen C2748557, MONDO:0013008, OMIM 612783.
Myopathy with tubular aggregates (TAM). Also called: Tubular Aggregate Myopathy. Identifiers: Orphanet 2593, MedGen C0410207, MONDO:0008051.
Stormorken syndrome (STRMK). Also called: THROMBOCYTOPATHY, ASPLENIA, AND MIOSIS. Identifiers: Orphanet 3204, MedGen C1861451, MONDO:0008497, OMIM 185070.

Allele frequency attached by ClinVar (database versions not stated): ExAC 0.00001; gnomAD 0.00001; gnomAD exomes 0.00002; TOPMed 0.00003.

Submissions (2):

Labcorp Genetics (formerly Invitae), Labcorp
Classification: Uncertain significance for Myopathy with tubular aggregates; Combined immunodeficiency due to STIM1 deficiency; Stormorken syndrome. Last evaluated: 2025-09-14. Review status: criteria provided, single submitter. Criteria: Invitae Variant Classification Sherloc (09022015). Collection method: clinical testing. Allele origin: germline.
Comment: This sequence change replaces arginine, which is basic and polar, with cysteine, which is neutral and slightly polar, at codon 69 of the STIM1 protein (p.Arg69Cys). This variant is present in population databases (rs201061396, gnomAD 0.003%). This variant has not been reported in the literature in individuals affected with STIM1-related conditions. ClinVar contains an entry for this variant (Variation ID: 952024). Invitae Evidence Modeling of protein sequence and biophysical properties (such as structural, functional, and spatial information, amino acid conservation, physicochemical variation, residue mobility, and thermodynamic stability) has been performed for this missense variant. However, the output from this modeling did not meet the statistical confidence thresholds required to predict the impact of this variant on STIM1 protein function. In summary, the available evidence is currently insufficient to determine the role of this variant in disease. Therefore, it has been classified as a Variant of Uncertain Significance.

Ambry Genetics
Classification: Uncertain significance for Inborn genetic diseases. Last evaluated: 2025-01-21. Review status: criteria provided, single submitter. Criteria: Ambry Variant Classification Scheme 2023. Collection method: clinical testing. Allele origin: germline.